The following is an entry in ClinVar:

NM_199420.4(POLQ):c.2810A>G (p.Lys937Arg)

Gene: POLQ (DNA polymerase theta; minus strand). Cytogenetic location: 3q13.33.
Variant type: single nucleotide variant.
Coding change: c.2810A>G on transcript NM_199420.4 (MANE Select); coding-DNA position 2810, A replaced by G.
Protein change: p.Lys937Arg; replaces lysine 937 with arginine.
Molecular consequence: missense variant.
Genome position (GRCh38, 1-based): chr3:121,490,121, T>C on the plus strand (A>G on the coding strand, the complement: POLQ is on the minus strand). VCF-style: chr3-121490121-T-C. GRCh37 (hg19) VCF-style: chr3-121208968-T-C.
Other names: short protein forms K937R.
Identifiers: ClinVar variation 2625884 (VCV002625884.2), dbSNP rs2546788160, ClinGen allele CA354104490.

ClinVar aggregate classification (germline): Uncertain significance (1 of 4 stars; one submission).

Allele frequency attached by ClinVar (database versions not stated): gnomAD exomes below 0.00001.
gnomAD v4.1: 2 of 1,607,336 alleles (0.00012%); highest among the groups gnomAD compares: Non-Finnish European, 0.00017%; no homozygotes.

Submission:

Ambry Genetics
Classification: Uncertain significance. Last evaluated: 2023-09-14. Review status: criteria provided, single submitter. Criteria: Ambry Variant Classification Scheme 2023. Collection method: clinical testing. Allele origin: germline.
Comment: The p.K937R variant (also known as c.2810A>G), located in coding exon 16 of the POLQ gene, results from an A to G substitution at nucleotide position 2810. The lysine at codon 937 is replaced by arginine, an amino acid with highly similar properties. This amino acid position is conserved. In addition, this alteration is predicted to be tolerated by in silico analysis. Since supporting evidence is limited at this time, the clinical significance of this alteration remains unclear.